The following is an entry in ClinVar:

ClinVar aggregate classification (germline): Uncertain significance (1 of 4 stars; one submission).

Submission:

GeneDx
Classification: Uncertain significance. Last evaluated: 2025-06-21. Review status: criteria provided, single submitter. Criteria: GeneDx Variant Classification Process June 2021. Collection method: clinical testing. Allele origin: germline. Affected: yes.
Comment: Not observed at significant frequency in large population cohorts (gnomAD); In silico analysis supports a deleterious effect on splicing; Has not been previously published as pathogenic or benign to our knowledge

NM_201525.4(ADGRG1):c.1018-3C>G

Gene: ADGRG1 (adhesion G protein-coupled receptor G1; plus strand). Cytogenetic location: 16q21.
Variant type: single nucleotide variant.
Coding change: c.1018-3C>G on transcript NM_201525.4 (MANE Select); 3 bases into the intron before coding-DNA position 1018, C replaced by G.
Molecular consequence: intron variant.
Genome position (GRCh38, 1-based): chr16:57,656,223, C>G. VCF-style: chr16-57656223-C-G. GRCh37 (hg19) VCF-style: chr16-57690135-C-G.
Other names: c.1018-3C>G (NM_005682.7, NM_001145770.3, NM_001370432.1 and 14 more transcripts); c.1018-6C>G (NM_001370434.1, NM_001370441.1); c.862-3C>G (NM_001370442.1); c.1033-3C>G (NM_001370433.1, NM_001145773.3); c.493-3C>G (NM_001370454.1, NM_001290144.2, NM_001370451.1 and 2 more transcripts); c.508-3C>G (NM_001290142.2).
Identifiers: ClinVar variation 4540079 (VCV004540079.1).